The following is an entry in ClinVar:

ClinVar aggregate classification (germline): Uncertain significance. Review status: criteria provided, multiple submitters, no conflicts (2 of 4 stars). 4 submissions from 4 submitters: Uncertain significance (3). 1 of the submissions does not count toward it. Last evaluated 2026-01-16.

Conditions:
Hereditary cancer-predisposing syndrome. Also called: Neoplastic Syndromes, Hereditary; Hereditary neoplastic syndrome; Tumor predisposition; Hereditary Cancer Syndrome. Identifiers: Orphanet 140162, MedGen C0027672, MeSH D009386, MONDO:0015356.
Bloom syndrome (BLM). Also called: Bloom-Torre-Machacek syndrome. Identifiers: Orphanet 125, MedGen C0005859, MONDO:0008876, OMIM 210900.

gnomAD v4.1: 3 of 1,614,148 alleles (0.00019%); highest among the groups gnomAD compares: African/African-American, 0.004%; no homozygotes.

Submissions (4):

Ambry Genetics
Classification: Uncertain significance for Hereditary cancer-predisposing syndrome. Last evaluated: 2026-01-16. Review status: criteria provided, single submitter. Criteria: Ambry Variant Classification Scheme 2023. Collection method: clinical testing. Allele origin: germline.
Comment: The p.K1356N variant (also known as c.4068G>C), located in coding exon 20 of the BLM gene, results from a G to C substitution at nucleotide position 4068. The lysine at codon 1356 is replaced by asparagine, an amino acid with similar properties. This amino acid position is conserved. In addition, this alteration is predicted to be tolerated by in silico analysis. Based on the available evidence, the clinical significance of this variant remains unclear.

Labcorp Genetics (formerly Invitae), Labcorp
Classification: Uncertain significance for Bloom syndrome. Last evaluated: 2025-12-21. Review status: criteria provided, single submitter. Criteria: Invitae Variant Classification Sherloc (09022015). Collection method: clinical testing. Allele origin: germline.
Comment: This sequence change replaces lysine, which is basic and polar, with asparagine, which is neutral and polar, at codon 1356 of the BLM protein (p.Lys1356Asn). This variant is not present in population databases (gnomAD no frequency). This variant has not been reported in the literature in individuals affected with BLM-related conditions. ClinVar contains an entry for this variant (Variation ID: 127509). Invitae Evidence Modeling of protein sequence and biophysical properties (such as structural, functional, and spatial information, amino acid conservation, physicochemical variation, residue mobility, and thermodynamic stability) indicates that this missense variant is not expected to disrupt BLM protein function with a negative predictive value of 80%. In summary, the available evidence is currently insufficient to determine the role of this variant in disease. Therefore, it has been classified as a Variant of Uncertain Significance.

GeneDx
Classification: Uncertain significance. Last evaluated: 2014-05-08. Review status: criteria provided, single submitter. Criteria: GeneDx Variant Classification (06012015). Collection method: clinical testing. Allele origin: germline. Affected: yes.
Comment: Single pathogenic variants in BLM have only recently been described in association with cancer predisposition and the risks are not well understood. This variant is denoted BLM c.4068G>C at the cDNA level, p.Lys1356Asn (K1356N) at the protein level, and results in the change of a Lysine to an Asparagine (AAG>AAC). This variant has not, to our knowledge, been published in the literature as pathogenic or benign. BLM Lys1356Asn was not observed in approximately 6,500 individuals of European and African American ancestry in the NHLBI Exome Sequencing Project, indicating it is not a common benign variant in these populations. Since Lysine and Asparagine differ in some properties, this is considered a semi-conservative amino acid substitution and may affect protein integrity. BLM Lys1356Asn occurs at a position that is highly variable across species and is not located within any known functional domain. In silico analyses predict that this variant is unlikely to alter protein structure or function. Based on currently available information, it is unclear whether BLM Lys1356Asn is pathogenic or benign. We consider it to be a variant of uncertain significance. Furthermore, based on the currently available information, cancer risks associated with this variant, and with single variants the BLM gene in general, remain unclear.

Natera, Inc.
Classification: Uncertain significance for Bloom syndrome. Last evaluated: 2020-11-02. Review status: no assertion criteria provided. Collection method: clinical testing. Allele origin: germline. Not counted in ClinVar's aggregate classification.

NM_000057.4(BLM):c.4068G>C (p.Lys1356Asn)

Gene: BLM (BLM RecQ like helicase; plus strand). Cytogenetic location: 15q26.1.
Variant type: single nucleotide variant.
Coding change: c.4068G>C on transcript NM_000057.4 (MANE Select); coding-DNA position 4068, G replaced by C.
Protein change: p.Lys1356Asn; replaces lysine 1356 with asparagine.
Molecular consequence: missense variant.
Genome position (GRCh38, 1-based): chr15:90,811,398, G>C. VCF-style: chr15-90811398-G-C. GRCh37 (hg19) VCF-style: chr15-91354628-G-C.
Other names: p.K1356N:AAG>AAC; c.4068G>C, p.Lys1356Asn (NM_001287246.2); c.3675G>C, p.Lys1225Asn (NM_001287247.2); c.2943G>C, p.Lys981Asn (NM_001287248.2); c.4068G>C (LRG_20t1); short protein forms K1356N, K1225N, K981N.
Identifiers: ClinVar variation 127509 (VCV000127509.12), dbSNP rs587779890, ClinGen allele CA287130.
Genomic context (GRCh38, chr15:90,811,398, plus strand): 5'-GAAAAAGATGCCAGCCTCCCAAAGGTCTAAGAGGAGAAAAACTGCTTCCAGTGGTTCCAA[G>C]GCAAAGGGGTATGTTTTGTGACATCTTTTTCAATATAGGGAACAAGGGAAGAAAGGACAA-3'
Protein context (NP_000048.1, residues 1346-1366): KRRKTASSGS[Lys1356Asn]AKGGSATCRK